The following is an entry in ClinVar:

NM_001354604.2(MITF):c.1084C>T (p.Arg362Ter)

Gene: MITF (melanocyte inducing transcription factor; plus strand). Cytogenetic location: 3p13.
Variant type: single nucleotide variant.
Coding change: c.1084C>T on transcript NM_001354604.2 (MANE Select); coding-DNA position 1084, C replaced by T.
Protein change: p.Arg362Ter; replaces arginine 362 with a stop codon.
Molecular consequence: nonsense.
Genome position (GRCh38, 1-based): chr3:69,959,325, C>T. VCF-style: chr3-69959325-C-T. GRCh37 (hg19) VCF-style: chr3-70008476-C-T.
Other names: c.763C>T, p.Arg255Ter (NM_000248.4); c.910C>T, p.Arg304Ter (NM_001184967.2, NM_001354608.2); c.1081C>T, p.Arg361Ter (NM_001354605.2); c.1063C>T, p.Arg355Ter (NM_001354606.2, NM_006722.3); c.1015C>T, p.Arg339Ter (NM_001354607.2); c.745C>T, p.Arg249Ter (NM_198158.3); c.1066C>T, p.Arg356Ter (NM_198159.3); c.1018C>T, p.Arg340Ter (NM_198177.3); and 1 more; short protein forms R255*, R356*, R249*, R340*, R362*, R361*, R193*, R304*.
Identifiers: ClinVar variation 372755 (VCV000372755.52), dbSNP rs1057517966, ClinGen allele CA16042481.

ClinVar aggregate classification (germline): Pathogenic/Likely pathogenic. Review status: criteria provided, multiple submitters, no conflicts (2 of 4 stars). 8 submissions from 8 submitters: Pathogenic (4); Likely pathogenic (2). 2 of the submissions do not count toward it. Last evaluated 2026-02-10.

Conditions:
Congenital sensorineural hearing impairment. Identifiers: MedGen C1865866, HP:0008527.
MITF-related disorder. Also called: MITF-related condition.
Waardenburg syndrome type 2A (WS2A). Also called: WAARDENBURG SYNDROME WITHOUT DYSTOPIA CANTHORUM. Identifiers: Orphanet 3440, MedGen C1860339, MONDO:0008671, OMIM 193510.
Tietz syndrome (TADS). Also called: TIETZ ALBINISM-DEAFNESS SYNDROME; ALBINISM-DEAFNESS OF TIETZ; HYPOPIGMENTATION/DEAFNESS OF TIETZ. Identifiers: Orphanet 42665, MedGen C0391816, MONDO:0007077, OMIM 103500.
Melanoma, cutaneous malignant, susceptibility to, 8. Also called: MELANOMA AND RENAL CELL CARCINOMA, SUSCEPTIBILITY TO; Cutaneous malignant melanoma 8. Identifiers: Orphanet 293822, MedGen C3152204, MONDO:0013759, OMIM 614456.
Hereditary cancer-predisposing syndrome. Also called: Tumor predisposition; Hereditary Cancer Syndrome; Hereditary neoplastic syndrome; Neoplastic Syndromes, Hereditary. Identifiers: Orphanet 140162, MedGen C0027672, MeSH D009386, MONDO:0015356.

Allele frequency attached by ClinVar (database versions not stated): gnomAD exomes below 0.00001.
gnomAD v4.1: 1 of 1,614,026 alleles (0.000062%); highest among the groups gnomAD compares: South Asian, 0.0011%; no homozygotes.

Submissions (8):

Ambry Genetics
Classification: Pathogenic for Hereditary cancer-predisposing syndrome. Last evaluated: 2026-02-10. Review status: criteria provided, single submitter. Criteria: Ambry Variant Classification Scheme 2023. Collection method: clinical testing. Allele origin: germline.
Comment: The c.763C>T (p.R255*) alteration, located in exon 8 (coding exon 8) of the MITF gene, consists of a C to T substitution at nucleotide position 763. This variant is expected to result in loss of function by premature protein truncation or nonsense-mediated mRNA decay. This variant was not reported in population-based cohorts in the Genome Aggregation Database (gnomAD). This variant was reported in individual(s) with features consistent with autosomal dominant MITF-related Waardenburg syndrome (Chen, 2010; Yang, 2013; Sun, 2024). Based on the available evidence, this alteration is classified as pathogenic.

Labcorp Genetics (formerly Invitae), Labcorp
Classification: Pathogenic for Melanoma, cutaneous malignant, susceptibility to, 8; Waardenburg syndrome type 2A; Tietz syndrome. Last evaluated: 2025-11-10. Review status: criteria provided, single submitter. Criteria: Invitae Variant Classification Sherloc (09022015). Collection method: clinical testing. Allele origin: germline.
Comment: This sequence change creates a premature translational stop signal (p.Arg255*) in the MITF gene. It is expected to result in an absent or disrupted protein product. Loss-of-function variants in MITF are known to be pathogenic (PMID: 8659547, 20127975). This variant is not present in population databases (gnomAD no frequency). This premature translational stop signal has been observed in individual(s) with Waardenburg syndrome (PMID: 20478267, 22320238, 24194866, 29531335, 30394532). ClinVar contains an entry for this variant (Variation ID: 372755). For these reasons, this variant has been classified as Pathogenic.

GeneDx
Classification: Pathogenic. Last evaluated: 2022-05-31. Review status: criteria provided, single submitter. Criteria: GeneDx Variant Classification Process June 2021. Collection method: clinical testing. Allele origin: germline. Affected: yes.
Comment: Published functional studies demonstrate a damaging effect on trans-activation of the TYR promoter, leading to haploinsufficiency (Wang et al., 2018); Nonsense variant predicted to result in protein truncation or nonsense mediated decay in a gene for which loss-of-function is a known mechanism of disease; Not observed in large population cohorts (gnomAD); This variant is associated with the following publications: (PMID: 20478267, 24194866, 22320238, 26512583, 28777840, 29407415, 29094203, 29531335, 33045145, 27759048, 30394532, 30936914, 33597575)

CeGaT Center for Human Genetics Tuebingen
Classification: Pathogenic. Last evaluated: 2019-12-01. Review status: criteria provided, single submitter. Criteria: CeGaT Center For Human Genetics Tuebingen Variant Classification Criteria Version 2. Collection method: clinical testing. Allele origin: germline. Affected: yes. Observed: 2 variant alleles.

Laboratory of Human Genetics, Universidade de São Paulo
Classification: Likely pathogenic for Waardenburg syndrome type 2A. Last evaluated: 2017-03-01. Review status: criteria provided, single submitter. Criteria: ACMG Guidelines, 2015. Collection method: research. Allele origin: de novo. Inheritance: Autosomal dominant inheritance. Affected: yes.

Center for Human Genetics, Inc
Classification: Likely pathogenic for Waardenburg syndrome type 2A. Last evaluated: 2016-11-01. Review status: criteria provided, single submitter. Criteria: ACMG Guidelines, 2015. Collection method: clinical testing. Allele origin: germline. Affected: yes.

PreventionGenetics, part of Exact Sciences
Classification: Pathogenic for MITF-related condition. Last evaluated: 2024-09-04. Review status: no assertion criteria provided. Collection method: clinical testing. Allele origin: germline. Not counted in ClinVar's aggregate classification.
Comment: The MITF c.763C>T variant is predicted to result in premature protein termination (p.Arg255*). This variant was reported in multiple individuals with Waardenburg syndrome (Chen et al. 2010. PubMed ID: 20478267; Yang et al. 2013. PubMed ID: 24194866; Kim et al. 2015. PubMed ID: 26512583). This variant has not been reported in a large population database, indicating this variant is rare. Nonsense variants in MITF are expected to be pathogenic. This variant is interpreted as pathogenic.

Kasturba Medical College, Manipal, Kasturba Medical College, Manipal, Manipal Academy of Higher Education, Manipal, India
Classification: Pathogenic for Congenital sensorineural hearing impairment. Last evaluated: 2018-05-15. Review status: no assertion criteria provided. Collection method: research. Allele origin: paternal. Inheritance: Autosomal dominant inheritance. Affected: yes. Observed: 1 variant allele, 1 heterozygote. Not counted in ClinVar's aggregate classification.

Literature cited by the submitters: PubMed 20478267 (cited by Ambry Genetics and Labcorp Genetics (formerly Invitae), Labcorp); PubMed 24194866 (cited by Ambry Genetics and Labcorp Genetics (formerly Invitae), Labcorp); PubMed 38844942 (cited by Ambry Genetics); PubMed 8659547 (cited by Labcorp Genetics (formerly Invitae), Labcorp); PubMed 20127975 (cited by Labcorp Genetics (formerly Invitae), Labcorp); PubMed 22320238 (cited by Labcorp Genetics (formerly Invitae), Labcorp); PubMed 29531335 (cited by Labcorp Genetics (formerly Invitae), Labcorp); PubMed 30394532 (cited by Labcorp Genetics (formerly Invitae), Labcorp); PubMed 29407415 (cited by Laboratory of Human Genetics, Universidade de São Paulo).